The following is an entry in ClinVar:

NM_001318852.2(MAPK8IP3):c.3178G>T (p.Val1060Leu)

Gene: MAPK8IP3 (mitogen-activated protein kinase 8 interacting protein 3; plus strand). Cytogenetic location: 16p13.3.
Variant type: single nucleotide variant.
Coding change: c.3178G>T on transcript NM_001318852.2 (MANE Select); coding-DNA position 3178, G replaced by T.
Protein change: p.Val1060Leu; replaces valine 1060 with leucine.
Molecular consequence: missense variant.
Genome position (GRCh38, 1-based): chr16:1,767,238, G>T. VCF-style: chr16-1767238-G-T. GRCh37 (hg19) VCF-style: chr16-1817239-G-T.
Other names: c.3157G>T, p.Val1053Leu (NM_001040439.2); c.3175G>T, p.Val1059Leu (NM_015133.5); short protein forms V1053L, V1059L, V1060L.
Identifiers: ClinVar variation 4527955 (VCV004527955.1).
Genomic context (GRCh38, chr16:1,767,238, plus strand): 5'-CTAATGGACCTGGGCCACCCGCACCACTCCATCCGCTGCATGGCTGTTGTGTACGACCGC[G>T]TGTGGTGTGGCTACAAGAACAAGGTGCACGTCATCCAGCCCAAGACCATGCAGATAGAGG-3'
Protein context (NP_001305781.1, residues 1050-1070): IRCMAVVYDR[Val1060Leu]WCGYKNKVHV

ClinVar aggregate classification (germline): Uncertain significance (1 of 4 stars; one submission).

Submission:

GeneDx
Classification: Uncertain significance. Last evaluated: 2025-05-09. Review status: criteria provided, single submitter. Criteria: GeneDx Variant Classification Process June 2021. Collection method: clinical testing. Allele origin: germline. Affected: yes.
Comment: Not observed at significant frequency in large population cohorts (gnomAD); In silico analysis supports that this missense variant has a deleterious effect on protein structure/function; Has not been previously published as pathogenic or benign to our knowledge